The following is an entry in ClinVar:

ClinVar aggregate classification (germline): Pathogenic. Review status: criteria provided, multiple submitters, no conflicts (2 of 4 stars). 3 submissions from 3 submitters: Pathogenic (2). 1 of the submissions does not count toward it. Last evaluated 2023-09-20.

Conditions:
Autosomal recessive nonsyndromic hearing loss 4 (DFNB4). Also called: Enlarged vestibular aqueduct, digenic; NEUROSENSORY NONSYNDROMIC RECESSIVE DEAFNESS 4; Deafness, autosomal recessive 4, with enlarged vestibular aqueduct; FOXI1-Related Pendred Syndrome; KCNJ10-Related Pendred Syndrome; Nonsyndromic enlarged vestibular aqueduct (NSEVA). Identifiers: Orphanet 90636, MedGen C3538946, MONDO:0010933, OMIM 600791.

Allele frequency attached by ClinVar (database versions not stated): gnomAD exomes below 0.00001.
gnomAD v4.1: 4 of 1,613,876 alleles (0.00025%); highest among the groups gnomAD compares: East Asian, 0.0089%; no homozygotes.

Submissions (3):

Labcorp Genetics (formerly Invitae), Labcorp
Classification: Pathogenic. Last evaluated: 2023-09-20. Review status: criteria provided, single submitter. Criteria: Invitae Variant Classification Sherloc (09022015). Collection method: clinical testing. Allele origin: germline.
Comment: This sequence change affects an acceptor splice site in intron 5 of the SLC26A4 gene. It is expected to disrupt RNA splicing. Variants that disrupt the donor or acceptor splice site typically lead to a loss of protein function (PMID: 16199547), and loss-of-function variants in SLC26A4 are known to be pathogenic (PMID: 16283880, 25394566, 26252218, 26445815). For these reasons, this variant has been classified as Pathogenic. Algorithms developed to predict the effect of sequence changes on RNA splicing suggest that this variant may disrupt the consensus splice site. ClinVar contains an entry for this variant (Variation ID: 446452). This variant is also known as IVS5-1G>A. Disruption of this splice site has been observed in individual(s) with SLC26A4-related conditions (PMID: 14508505, 25788563). In at least one individual the data is consistent with being in trans (on the opposite chromosome) from a pathogenic variant. This variant is not present in population databases (gnomAD no frequency).

Division of Hearing and Balance Research, National Hospital Organization Tokyo Medical Center
Classification: Pathogenic for Autosomal recessive nonsyndromic hearing loss 4. Last evaluated: 2017-07-01. Review status: criteria provided, single submitter. Criteria: Submitter's publication. Collection method: clinical testing. Allele origin: germline. Affected: yes. Observed: 3 variant alleles. Clinical features observed: Hearing impairment (HP:0000365).

National Institute of Sensory Organs, National Hospital Organization Tokyo Medical Center
Classification: Affects for Autosomal recessive nonsyndromic hearing loss 4. Last evaluated: 2019-08-20. Review status: no assertion criteria provided. Collection method: clinical testing, in vitro. Allele origin: inherited, germline. Inheritance: Autosomal recessive inheritance. Affected: yes. Functional consequence: sequence_variant_affecting_splicing. Not counted in ClinVar's aggregate classification.
Comment: in vitro experiment

Literature cited by the submitters: PubMed 16199547 (cited by Labcorp Genetics (formerly Invitae), Labcorp); PubMed 16283880 (cited by Labcorp Genetics (formerly Invitae), Labcorp); PubMed 25394566 (cited by Labcorp Genetics (formerly Invitae), Labcorp); PubMed 26252218 (cited by Labcorp Genetics (formerly Invitae), Labcorp); PubMed 26445815 (cited by Labcorp Genetics (formerly Invitae), Labcorp); PubMed 14508505 (cited by Labcorp Genetics (formerly Invitae), Labcorp and National Institute of Sensory Organs, National Hospital Organization Tokyo Medical Center); PubMed 25788563 (cited by Labcorp Genetics (formerly Invitae), Labcorp); PubMed 24599119 (cited by National Institute of Sensory Organs, National Hospital Organization Tokyo Medical Center); PubMed 25525159 (cited by National Institute of Sensory Organs, National Hospital Organization Tokyo Medical Center); PubMed 31599023 (cited by National Institute of Sensory Organs, National Hospital Organization Tokyo Medical Center).

NM_000441.2(SLC26A4):c.601-1G>A

Gene: SLC26A4 (solute carrier family 26 member 4; plus strand). Cytogenetic location: 7q22.3.
Variant type: single nucleotide variant.
Coding change: c.601-1G>A on transcript NM_000441.2 (MANE Select); the canonical splice acceptor site of the intron before coding-DNA position 601, G replaced by A.
Molecular consequence: splice acceptor variant.
Genome position (GRCh38, 1-based): chr7:107,674,944, G>A. VCF-style: chr7-107674944-G-A. GRCh37 (hg19) VCF-style: chr7-107315389-G-A.
Other names: IVS5-1G>A.
Identifiers: ClinVar variation 446452 (VCV000446452.13), dbSNP rs1554355011, ClinGen allele CA368830868.